The following is an entry in ClinVar:

NM_000321.3(RB1):c.1778_1779dup (p.Leu594fs)

Gene: RB1 (RB transcriptional corepressor 1; plus strand). Cytogenetic location: 13q14.2.
Variant type: Duplication.
Coding change: c.1778_1779dup on transcript NM_000321.3 (MANE Select); coding-DNA positions 1778 to 1779, 2 bases duplicated (AT; older notation c.1778_1779dupAT).
Protein change: p.Leu594fs; shifts the reading frame from leucine 594.
Molecular consequence: frameshift variant.
Genome position (GRCh38, 1-based): chr13:48,453,075-48,453,076, AT duplicated. VCF-style (leftmost placement, unchanged base first): chr13-48453074-A-AAT. GRCh37 (hg19) VCF-style: chr13-49027210-A-AAT.
Other names: c.1778_1779dup, p.Leu594fs (NM_001407165.1); short protein forms L594fs.
Identifiers: ClinVar variation 3237026 (VCV003237026.2), dbSNP rs2542360799.

ClinVar aggregate classification (germline): Pathogenic/Likely pathogenic. Review status: criteria provided, multiple submitters, no conflicts (2 of 4 stars). 2 submissions from 2 submitters: Pathogenic (1); Likely pathogenic (1). Last evaluated 2026-05-29.

Conditions:
Retinoblastoma (RB1). Also called: RETINOBLASTOMA, SOMATIC. Identifiers: Orphanet 790, MedGen C0035335, MeSH D012175, MONDO:0008380, OMIM 180200, HP:0009919. Disease mechanism: loss of function. Inheritance: Both sporadic and heritable forms are tested..

Submissions (2):

Diller/Parad Lab, Dana-Farber/Harvard Cancer Center
Classification: Likely pathogenic for Retinoblastoma. Last evaluated: 2026-05-29. Review status: criteria provided, single submitter. Criteria: ACMG Guidelines, 2015. Collection method: research. Allele origin: germline. Affected: yes.
Comment: It has been classified as Likely Pathogenic using Richards et al (PMID:25741868) based on the following evidence codes: PM2, PVS1.

Genetic Diagnostic Laboratory, University of Pennsylvania School of Medicine
Classification: Pathogenic for Retinoblastoma. Last evaluated: 2024-05-20. Review status: criteria provided, single submitter. Criteria: ACMG Guidelines, 2015. Collection method: clinical testing. Allele origin: germline. Affected: yes. Observed: 2 variant alleles.
Comment: Case and Pedigree Information: BILATERAL CASES:2, UNILATERAL CASES:0, TOTAL CASES:2, PEDIGREES:2. ACMG Codes Applied:PVS1, PM2